The following is an entry in ClinVar:

NM_004055.5(CAPN5):c.1288A>C (p.Lys430Gln)

Gene: CAPN5 (calpain 5; plus strand). Cytogenetic location: 11q13.5.
Variant type: single nucleotide variant.
Coding change: c.1288A>C on transcript NM_004055.5 (MANE Select); coding-DNA position 1288, A replaced by C.
Protein change: p.Lys430Gln; replaces lysine 430 with glutamine.
Molecular consequence: missense variant. On other transcripts: non-coding transcript variant (1).
Genome position (GRCh38, 1-based): chr11:77,119,150, A>C. VCF-style: chr11-77119150-A-C. GRCh37 (hg19) VCF-style: chr11-76830196-A-C.
Other names: c.1408A>C, p.Lys470Gln (NM_001425321.1); c.1288A>C, p.Lys430Gln (NM_001425322.1); c.1156A>C, p.Lys386Gln (NM_001425323.1); short protein forms K386Q, K430Q, K470Q.
Identifiers: ClinVar variation 3634198 (VCV003634198.3).

ClinVar aggregate classification (germline): Uncertain significance. Review status: criteria provided, multiple submitters, no conflicts (2 of 4 stars). 2 submissions from 2 submitters: Uncertain significance (2). Last evaluated 2025-08-31.

gnomAD v4.1: 4 of 1,610,132 alleles (0.00025%); highest among the groups gnomAD compares: Middle Eastern, 0.05%; no homozygotes.

Submissions (2):

Labcorp Genetics (formerly Invitae), Labcorp
Classification: Uncertain significance. Last evaluated: 2025-08-31. Review status: criteria provided, single submitter. Criteria: Invitae Variant Classification Sherloc (09022015). Collection method: clinical testing. Allele origin: germline.
Comment: This sequence change replaces lysine, which is basic and polar, with glutamine, which is neutral and polar, at codon 430 of the CAPN5 protein (p.Lys430Gln). This variant is present in population databases (rs782434819, gnomAD 0.002%). This variant has not been reported in the literature in individuals affected with CAPN5-related conditions. ClinVar contains an entry for this variant (Variation ID: 3634198). An algorithm developed to predict the effect of missense changes on protein structure and function (PolyPhen-2) suggests that this variant is likely to be tolerated. In summary, the available evidence is currently insufficient to determine the role of this variant in disease. Therefore, it has been classified as a Variant of Uncertain Significance.

Blueprint Genetics
Classification: Uncertain significance. Last evaluated: 2024-06-12. Review status: criteria provided, single submitter. Criteria: ACMG Guidelines, 2015. Collection method: clinical testing. Allele origin: germline.